The following is an entry in ClinVar:

NM_001277313.2(FMN1):c.9C>T (p.Gly3=)

Gene: FMN1 (formin 1; minus strand). Cytogenetic location: 15q13.3.
Variant type: single nucleotide variant.
Coding change: c.9C>T on transcript NM_001277313.2 (MANE Select); coding-DNA position 9, C replaced by T.
Protein change: p.Gly3=; no amino-acid change (glycine 3 retained).
Molecular consequence: synonymous variant.
Genome position (GRCh38, 1-based): chr15:33,154,906, G>A on the plus strand (C>T on the coding strand, the complement: FMN1 is on the minus strand). VCF-style: chr15-33154906-G-A. GRCh37 (hg19) VCF-style: chr15-33447107-G-A.
Other names: c.9C>T, p.Gly3= (NM_001277314.2).
Identifiers: ClinVar variation 2635014 (VCV002635014.24), dbSNP rs1595576646, ClinGen allele CA489539182.
Genomic context (GRCh38, chr15:33,154,906, plus strand): 5'-ACAGAAGCTGATGTAGCAGAGTTCCGTAATGGGCTTATGCAATTGGAGGGTACAATGAGT[G>A]CCTTCCATTATGCCTACCTAATTATTCATGCCTTGGAGATGCCGGTTTGTGGTCAGGCTT-3'
Protein context (NP_001264242.1, residues 1-13): ME[Gly3=]THCTLQLHKP

ClinVar aggregate classification (germline): Conflicting classifications of pathogenicity. Review status: criteria provided, conflicting classifications (1 of 4 stars). 2 submissions from 2 submitters: Uncertain significance (1); Likely benign (1). Last evaluated 2022-10-17.

Conditions:
FMN1-related disorder. Also called: FMN1-related condition.

Allele frequency attached by ClinVar (database versions not stated): gnomAD 0.00001; gnomAD exomes 0.00003.
gnomAD v4.1: 46 of 1,531,320 alleles (0.003%); highest among the groups gnomAD compares: African/African-American, 0.0041%; no homozygotes.

Submissions (2):

PreventionGenetics, part of Exact Sciences
Classification: Uncertain significance for FMN1-related condition. Last evaluated: 2022-10-17. Review status: criteria provided, single submitter. Criteria: ACMG Guidelines, 2015. Collection method: clinical testing. Allele origin: germline.
Comment: The FMN1 c.9C>T variant is not predicted to result in an amino acid change (p.=). This synonymous is predicted interfere with splicing. This variant can also be referred to as precoding variant c.-87022C>T with the transcript in the Human Gene Mutation Database (NM_001103184). To our knowledge, this variant has not been reported in the literature or in a large population database, indicating this variant is rare. Although we suspect that this variant may be benign, at this time, the clinical significance of this variant is uncertain due to the absence of conclusive functional and genetic evidence.

CeGaT Center for Human Genetics Tuebingen
Classification: Likely benign. Last evaluated: 2022-07-01. Review status: criteria provided, single submitter. Criteria: CeGaT Center For Human Genetics Tuebingen Variant Classification Criteria Version 2. Collection method: clinical testing. Allele origin: germline. Affected: yes. Observed: 1 variant allele.
Comment: FMN1: BP4, BP7